The following is an entry in ClinVar:

NM_001844.5(COL2A1):c.1854T>C (p.Gly618=)

Gene: COL2A1 (collagen type II alpha 1 chain; minus strand). Cytogenetic location: 12q13.11.
Variant type: single nucleotide variant.
Coding change: c.1854T>C on transcript NM_001844.5 (MANE Select); coding-DNA position 1854, T replaced by C.
Protein change: p.Gly618=; no amino-acid change (glycine 618 retained).
Molecular consequence: synonymous variant.
Genome position (GRCh38, 1-based): chr12:47,984,579, A>G on the plus strand (T>C on the coding strand, the complement: COL2A1 is on the minus strand). VCF-style: chr12-47984579-A-G. GRCh37 (hg19) VCF-style: chr12-48378362-A-G.
Other names: c.1647T>C, p.Gly549= (NM_033150.3).
Identifiers: ClinVar variation 3029847 (VCV003029847.2), dbSNP rs2540143252, ClinGen allele CA479466630.

ClinVar aggregate classification (germline): Likely benign (0 of 4 stars; one submission).

Conditions:
COL2A1-related disorder. Also called: COL2A1-related condition; COL2A1-related disorders.

Submission:

PreventionGenetics, part of Exact Sciences
Classification: Likely benign for COL2A1-related condition. Last evaluated: 2021-03-22. Review status: no assertion criteria provided. Collection method: clinical testing. Allele origin: germline.
Comment: This variant is classified as likely benign based on ACMG/AMP sequence variant interpretation guidelines (Richards et al. 2015 PMID: 25741868, with internal and published modifications).